The following is an entry in ClinVar:

NM_018368.4(LMBRD1):c.829C>T (p.Arg277Ter)

Gene: LMBRD1 (LMBR1 domain containing 1; minus strand). Cytogenetic location: 6q13.
Variant type: single nucleotide variant.
Coding change: c.829C>T on transcript NM_018368.4 (MANE Select); coding-DNA position 829, C replaced by T.
Protein change: p.Arg277Ter; replaces arginine 277 with a stop codon.
Molecular consequence: nonsense.
Genome position (GRCh38, 1-based): chr6:69,713,731, G>A on the plus strand (C>T on the coding strand, the complement: LMBRD1 is on the minus strand). VCF-style: chr6-69713731-G-A. GRCh37 (hg19) VCF-style: chr6-70423623-G-A.
Other names: c.610C>T, p.Arg204Ter (NM_001363722.2, NM_001367271.1, NM_001367272.1); short protein forms R204*, R277*.
Identifiers: ClinVar variation 2986617 (VCV002986617.4), dbSNP rs141038315, ClinGen allele CA364667514.

ClinVar aggregate classification (germline): Pathogenic (1 of 4 stars; one submission).

Conditions:
Methylmalonic aciduria and homocystinuria type cblF. Also called: METHYLMALONIC ACIDEMIA AND HOMOCYSTINURIA, cblF TYPE; METHYLMALONIC ACIDURIA DUE TO VITAMIN B12-RELEASE DEFECT; VITAMIN B12 LYSOSOMAL RELEASE DEFECT; VITAMIN B12 STORAGE DISEASE; COBALAMIN F DISEASE; COBALAMIN, DEFECT IN LYSOSOMAL RELEASE OF. Identifiers: Orphanet 79284, MedGen C1848578, MONDO:0010183, OMIM 277380.

Submission:

Labcorp Genetics (formerly Invitae), Labcorp
Classification: Pathogenic for Methylmalonic aciduria and homocystinuria type cblF. Last evaluated: 2023-06-29. Review status: criteria provided, single submitter. Criteria: Invitae Variant Classification Sherloc (09022015). Collection method: clinical testing. Allele origin: germline.
Comment: This variant is not present in population databases (gnomAD no frequency). This sequence change creates a premature translational stop signal (p.Arg277*) in the LMBRD1 gene. It is expected to result in an absent or disrupted protein product. Loss-of-function variants in LMBRD1 are known to be pathogenic (PMID: 19136951, 21303734). For these reasons, this variant has been classified as Pathogenic. This variant has not been reported in the literature in individuals affected with LMBRD1-related conditions.

Literature cited by the submitters: PubMed 19136951; PubMed 21303734.